The following is an entry in ClinVar:

NM_001062.4(TCN1):c.1218T>A (p.Ser406Arg)

Gene: TCN1 (transcobalamin 1; minus strand). Cytogenetic location: 11q12.1.
Variant type: single nucleotide variant.
Coding change: c.1218T>A on transcript NM_001062.4 (MANE Select); coding-DNA position 1218, T replaced by A.
Protein change: p.Ser406Arg; replaces serine 406 with arginine.
Molecular consequence: missense variant.
Genome position (GRCh38, 1-based): chr11:59,853,225, A>T on the plus strand (T>A on the coding strand, the complement: TCN1 is on the minus strand). VCF-style: chr11-59853225-A-T. GRCh37 (hg19) VCF-style: chr11-59620698-A-T.
Other names: short protein forms S406R.
Identifiers: ClinVar variation 3705479 (VCV003705479.2).

ClinVar aggregate classification (germline): Uncertain significance (1 of 4 stars; one submission).

Conditions:
Transcobalamin I deficiency (TCN1D). Also called: COBALAMIN PSEUDODEFICIENCY DUE TO TRANSCOBALAMIN DEFICIENCY; COBALAMIN R BINDER PROTEIN DEFICIENCY; TCN1 DEFICIENCY. Identifiers: Orphanet 2967, MedGen C0342700, MONDO:0008659, OMIM 193090.

gnomAD v4.1: 13 of 1,613,900 alleles (0.00081%); highest among the groups gnomAD compares: South Asian, 0.0088%; no homozygotes.

Submission:

Labcorp Genetics (formerly Invitae), Labcorp
Classification: Uncertain significance for Transcobalamin I deficiency. Last evaluated: 2024-05-15. Review status: criteria provided, single submitter. Criteria: Invitae Variant Classification Sherloc (09022015). Collection method: clinical testing. Allele origin: germline.
Comment: This sequence change replaces serine, which is neutral and polar, with arginine, which is basic and polar, at codon 406 of the TCN1 protein (p.Ser406Arg). This variant is present in population databases (no rsID available, gnomAD 0.003%). This variant has not been reported in the literature in individuals affected with TCN1-related conditions. An algorithm developed to predict the effect of missense changes on protein structure and function (PolyPhen-2) suggests that this variant is likely to be disruptive. In summary, the available evidence is currently insufficient to determine the role of this variant in disease. Therefore, it has been classified as a Variant of Uncertain Significance.